The following is an entry in ClinVar:

NM_000059.4(BRCA2):c.7976+18C>T

Gene: BRCA2 (BRCA2 DNA repair associated; plus strand). Cytogenetic location: 13q13.1.
Variant type: single nucleotide variant.
Coding change: c.7976+18C>T on transcript NM_000059.4 (MANE Select); 18 bases into the intron after coding-DNA position 7976, C replaced by T.
Molecular consequence: intron variant.
Genome position (GRCh38, 1-based): chr13:32,362,711, C>T. VCF-style: chr13-32362711-C-T. GRCh37 (hg19) VCF-style: chr13-32936848-C-T.
Identifiers: ClinVar variation 382945 (VCV000382945.13), dbSNP rs1057521490, ClinGen allele CA16606819.

ClinVar aggregate classification (germline): Likely benign. Review status: criteria provided, multiple submitters, no conflicts (2 of 4 stars). 3 submissions from 3 submitters: Likely benign (3). Last evaluated 2025-04-01.

Conditions:
Hereditary breast ovarian cancer syndrome. Also called: Hereditary breast and ovarian cancer syndrome; Hereditary breast and ovarian cancer; Breast and ovarian cancer; BRCA1- and BRCA2-Associated Hereditary Breast and Ovarian Cancer; Hereditary breast and/or ovarian cancer syndrome; Hereditary breast and ovarian cancer syndrome (HBOC). Identifiers: Orphanet 145, MedGen C0677776, MeSH D061325, MONDO:0003582. Disease mechanism: loss of function.

Submissions (3):

Labcorp Genetics (formerly Invitae), Labcorp
Classification: Likely benign for Hereditary breast ovarian cancer syndrome. Last evaluated: 2025-04-01. Review status: criteria provided, single submitter. Criteria: Invitae Variant Classification Sherloc (09022015). Collection method: clinical testing. Allele origin: germline.

Women's Health and Genetics/Laboratory Corporation of America, LabCorp
Classification: Likely benign. Last evaluated: 2023-11-30. Review status: criteria provided, single submitter. Criteria: LabCorp Variant Classification Summary - May 2015. Collection method: clinical testing. Allele origin: germline.

GeneDx
Classification: Likely benign. Last evaluated: 2016-01-05. Review status: criteria provided, single submitter. Criteria: GeneDx Variant Classification (06012015). Collection method: clinical testing. Allele origin: germline. Affected: yes.
Comment: This variant is considered likely benign or benign based on one or more of the following criteria: it is a conservative change, it occurs at a poorly conserved position in the protein, it is predicted to be benign by multiple in silico algorithms, and/or has population frequency not consistent with disease.